The following is an entry in ClinVar:

ClinVar aggregate classification (germline): Likely benign. Review status: criteria provided, multiple submitters, no conflicts (2 of 4 stars). 2 submissions from 2 submitters: Likely benign (2). Last evaluated 2024-04-03.

Conditions:
Charcot-Marie-Tooth disease type 2. Also called: Charcot-Marie-Tooth type 2. Identifiers: Orphanet 64746, MedGen C0270914, MONDO:0018993.

Allele frequency attached by ClinVar (database versions not stated): ExAC 0.00001; gnomAD exomes 0.00001.
gnomAD v4.1: 11 of 1,614,198 alleles (0.00068%); highest among the groups gnomAD compares: South Asian, 0.0022%; no homozygotes.

Submissions (2):

Labcorp Genetics (formerly Invitae), Labcorp
Classification: Likely benign for Charcot-Marie-Tooth disease type 2. Last evaluated: 2024-04-03. Review status: criteria provided, single submitter. Criteria: Invitae Variant Classification Sherloc (09022015). Collection method: clinical testing. Allele origin: germline.

CeGaT Center for Human Genetics Tuebingen
Classification: Likely benign. Last evaluated: 2024-02-01. Review status: criteria provided, single submitter. Criteria: CeGaT Center For Human Genetics Tuebingen Variant Classification Criteria Version 2. Collection method: clinical testing. Allele origin: germline. Affected: yes. Observed: 1 variant allele.
Comment: MFN2: BP4, BP7

NM_014874.4(MFN2):c.1935C>T (p.Tyr645=)

Gene: MFN2 (mitofusin 2; plus strand). Cytogenetic location: 1p36.22.
Variant type: single nucleotide variant.
Coding change: c.1935C>T on transcript NM_014874.4 (MANE Select); coding-DNA position 1935, C replaced by T.
Protein change: p.Tyr645=; no amino-acid change (tyrosine 645 retained).
Molecular consequence: synonymous variant.
Genome position (GRCh38, 1-based): chr1:12,007,115, C>T. VCF-style: chr1-12007115-C-T. GRCh37 (hg19) VCF-style: chr1-12067172-C-T.
Other names: c.1935C>T, p.Tyr645= (NM_001127660.2).
Identifiers: ClinVar variation 2145977 (VCV002145977.26), dbSNP rs752881611, ClinGen allele CA599279.